The following is an entry in ClinVar:

NM_005631.5(SMO):c.808G>A (p.Val270Ile)

Gene: SMO (smoothened, frizzled class receptor; plus strand). Cytogenetic location: 7q32.1.
Variant type: single nucleotide variant.
Coding change: c.808G>A on transcript NM_005631.5 (MANE Select); coding-DNA position 808, G replaced by A.
Protein change: p.Val270Ile; replaces valine 270 with isoleucine.
Molecular consequence: missense variant.
Genome position (GRCh38, 1-based): chr7:129,205,670, G>A. VCF-style: chr7-129205670-G-A. GRCh37 (hg19) VCF-style: chr7-128845511-G-A.
Other names: NC_000007.13:g.128845511G>A; c.808G>A, p.Val270Ile (LRG_1393t1); short protein forms V270I.
Identifiers: ClinVar variation 135269 (VCV000135269.37), dbSNP rs111694017, ClinGen allele CA162184.

ClinVar aggregate classification (germline): Conflicting classifications of pathogenicity. Review status: criteria provided, conflicting classifications (1 of 4 stars). 4 submissions from 4 submitters: Uncertain significance (1); Benign (2). 1 of the submissions does not count toward it. Last evaluated 2026-07-01.

Allele frequency attached by ClinVar (database versions not stated): 1000 Genomes Project 0.00240; 1000 Genomes Project 30x 0.00265; TOPMed 0.00685; gnomAD exomes 0.00694; gnomAD 0.00701 and 0.00740; ExAC 0.00741; ESP Exome Variant Server 0.00861.
gnomAD v4.1: 14,677 of 1,613,916 alleles (0.91%); highest among the groups gnomAD compares: Non-Finnish European, 1.1%; 84 homozygotes.

Submissions (19):

CeGaT Center for Human Genetics Tuebingen
Classification: Benign. Last evaluated: 2026-07-01. Review status: criteria provided, single submitter. Criteria: CeGaT Center For Human Genetics Tuebingen Variant Classification Criteria Version 2. Collection method: clinical testing. Allele origin: germline. Affected: yes. Observed: 11 variant alleles.
Comment: SMO: BS1, BS2

Institute for Clinical Genetics, University Hospital TU Dresden, University Hospital TU Dresden
Classification: Uncertain significance. Last evaluated: 2021-11-03. Review status: criteria provided, single submitter. Criteria: ACMG Guidelines, 2015. Collection method: clinical testing. Allele origin: germline.

Labcorp Genetics (formerly Invitae), Labcorp
Classification: Benign. Last evaluated: 2019-12-31. Review status: criteria provided, single submitter. Criteria: Invitae Variant Classification Sherloc (09022015). Collection method: clinical testing. Allele origin: germline.

ITMI
No classification provided. Condition: AllHighlyPenetrant. Last evaluated: 2013-09-19. Review status: no classification provided. Collection method: reference population. Allele origin: germline. Not counted in ClinVar's aggregate classification.
Comment: Please see associated publication for description of ethnicities

Dr. Peter K. Rogan Lab, Western University
No classification provided (evidence only). Condition: Lung cancer. Review status: no classification provided. Collection method: in vitro. Allele origin: not applicable. Functional consequence: retained intron. Not counted in ClinVar's aggregate classification.

Dr. Peter K. Rogan Lab, Western University
No classification provided (evidence only). Condition: Melanoma. Review status: no classification provided. Collection method: in vitro. Allele origin: not applicable. Functional consequence: retained intron. Not counted in ClinVar's aggregate classification.

Dr. Peter K. Rogan Lab, Western University
No classification provided (evidence only). Condition: Colorectal cancer. Review status: no classification provided. Collection method: in vitro. Allele origin: not applicable. Functional consequence: retained intron. Not counted in ClinVar's aggregate classification.

Dr. Peter K. Rogan Lab, Western University
No classification provided (evidence only). Condition: Thyroid cancer, nonmedullary, 1. Review status: no classification provided. Collection method: in vitro. Allele origin: not applicable. Functional consequence: retained intron. Not counted in ClinVar's aggregate classification.

Dr. Peter K. Rogan Lab, Western University
No classification provided (evidence only). Condition: Uterine corpus endometrial carcinoma. Review status: no classification provided. Collection method: in vitro. Allele origin: not applicable. Functional consequence: retained intron. Not counted in ClinVar's aggregate classification.

Dr. Peter K. Rogan Lab, Western University
No classification provided (evidence only). Condition: Nonpapillary renal cell carcinoma. Review status: no classification provided. Collection method: in vitro. Allele origin: not applicable. Functional consequence: retained intron. Not counted in ClinVar's aggregate classification.

Dr. Peter K. Rogan Lab, Western University
No classification provided (evidence only). Condition: Ovarian serous cystadenocarcinoma. Review status: no classification provided. Collection method: in vitro. Allele origin: not applicable. Functional consequence: retained intron. Not counted in ClinVar's aggregate classification.

Dr. Peter K. Rogan Lab, Western University
No classification provided (evidence only). Condition: Ovarian serous cystadenocarcinoma. Review status: no classification provided. Collection method: in vitro. Allele origin: not applicable. Functional consequence: retained intron. Not counted in ClinVar's aggregate classification.

Dr. Peter K. Rogan Lab, Western University
No classification provided (evidence only). Condition: Ovarian serous cystadenocarcinoma. Review status: no classification provided. Collection method: in vitro. Allele origin: not applicable. Functional consequence: retained intron. Not counted in ClinVar's aggregate classification.

Dr. Peter K. Rogan Lab, Western University
No classification provided (evidence only). Condition: Ovarian serous cystadenocarcinoma. Review status: no classification provided. Collection method: in vitro. Allele origin: not applicable. Functional consequence: retained intron. Not counted in ClinVar's aggregate classification.

Dr. Peter K. Rogan Lab, Western University
No classification provided (evidence only). Condition: Gastric cancer. Review status: no classification provided. Collection method: in vitro. Allele origin: not applicable. Functional consequence: retained intron. Not counted in ClinVar's aggregate classification.

Dr. Peter K. Rogan Lab, Western University
No classification provided (evidence only). Condition: Gastric cancer. Review status: no classification provided. Collection method: in vitro. Allele origin: not applicable. Functional consequence: retained intron. Not counted in ClinVar's aggregate classification.

Dr. Peter K. Rogan Lab, Western University
No classification provided (evidence only). Condition: Uveal melanoma. Review status: no classification provided. Collection method: in vitro. Allele origin: not applicable. Functional consequence: retained intron. Not counted in ClinVar's aggregate classification.

Dr. Peter K. Rogan Lab, Western University
No classification provided (evidence only). Condition: Malignant tumor of esophagus. Review status: no classification provided. Collection method: in vitro. Allele origin: not applicable. Functional consequence: retained intron. Not counted in ClinVar's aggregate classification.

Dr. Peter K. Rogan Lab, Western University
No classification provided (evidence only). Condition: Malignant tumor of esophagus. Review status: no classification provided. Collection method: in vitro. Allele origin: not applicable. Functional consequence: retained intron. Not counted in ClinVar's aggregate classification.

Literature cited by the submitters: PubMed 24728327 (cited by ITMI).